The following is an entry in ClinVar:

NM_020750.3(XPO5):c.2724T>C (p.Tyr908=)

Genes: POLR1C (RNA polymerase I and III subunit C; plus strand), XPO5 (exportin 5; minus strand). Cytogenetic location: 6p21.1.
Variant type: single nucleotide variant.
Coding change: c.2724T>C on transcript NM_020750.3 (MANE Select); coding-DNA position 2724, T replaced by C.
Protein change: p.Tyr908=; no amino-acid change (tyrosine 908 retained).
Molecular consequence: synonymous variant. On other transcripts: non-coding transcript variant (1), intron variant (2).
Genome position (GRCh38, 1-based): chr6:43,528,879, A>G on the plus strand (T>C on the coding strand, the complement: XPO5 is on the minus strand). VCF-style: chr6-43528879-A-G. GRCh37 (hg19) VCF-style: chr6-43496617-A-G.
Other names: c.922+7831A>G (NM_001363658.2); c.923-370A>G (NM_001318876.2).
Identifiers: ClinVar variation 3036944 (VCV003036944.2), dbSNP rs779637378, ClinGen allele CA3826013.

ClinVar aggregate classification (germline): Likely benign (0 of 4 stars; one submission).

Conditions:
XPO5-related disorder. Also called: XPO5-related condition.

Allele frequency attached by ClinVar (database versions not stated): gnomAD 0.00003; TOPMed 0.00003; gnomAD exomes 0.00007; ExAC 0.00002.
gnomAD v4.1: 98 of 1,613,842 alleles (0.0061%); highest among the groups gnomAD compares: Non-Finnish European, 0.0083%; no homozygotes.

Submission:

PreventionGenetics, part of Exact Sciences
Classification: Likely benign for XPO5-related condition. Last evaluated: 2022-03-08. Review status: no assertion criteria provided. Collection method: clinical testing. Allele origin: germline.
Comment: This variant is classified as likely benign based on ACMG/AMP sequence variant interpretation guidelines (Richards et al. 2015 PMID: 25741868, with internal and published modifications).